The following is an entry in ClinVar:

NM_000388.4(CASR):c.2311A>T (p.Met771Leu)

Gene: CASR (calcium sensing receptor; plus strand). Cytogenetic location: 3q21.1.
Variant type: single nucleotide variant.
Coding change: c.2311A>T on transcript NM_000388.4 (MANE Select); coding-DNA position 2311, A replaced by T.
Protein change: p.Met771Leu; replaces methionine 771 with leucine.
Molecular consequence: missense variant.
Genome position (GRCh38, 1-based): chr3:122,284,265, A>T. VCF-style: chr3-122284265-A-T. GRCh37 (hg19) VCF-style: chr3-122003112-A-T.
Other names: c.2341A>T, p.Met781Leu (NM_001178065.2); short protein forms M771L, M781L.
Identifiers: ClinVar variation 821075 (VCV000821075.4), dbSNP rs1576877805, ClinGen allele CA354159453.

ClinVar aggregate classification (germline): Uncertain significance (1 of 4 stars; one submission).

Conditions:
Nephrolithiasis/nephrocalcinosis. Identifiers: MedGen CN580796.

Submission:

Ambry Genetics
Classification: Uncertain significance for Nephrolithiasis/nephrocalcinosis. Last evaluated: 2019-01-30. Review status: criteria provided, single submitter. Criteria: Ambry Variant Classification Scheme 2023. Collection method: clinical testing. Allele origin: germline.
Comment: The p.M771L variant (also known as c.2311A>T), located in coding exon 6 of the CASR gene, results from an A to T substitution at nucleotide position 2311. The methionine at codon 771 is replaced by leucine, an amino acid with highly similar properties. This amino acid position is highly conserved in available vertebrate species. In addition, this alteration is predicted to be deleterious by in silico analysis. Since supporting evidence is limited at this time, the clinical significance of this alteration remains unclear.